The following is an entry in ClinVar:

NM_002834.5(PTPN11):c.182A>C (p.Asp61Ala)

Gene: PTPN11 (protein tyrosine phosphatase non-receptor type 11; plus strand). Cytogenetic location: 12q24.13.
Variant type: single nucleotide variant.
Coding change: c.182A>C on transcript NM_002834.5 (MANE Select); coding-DNA position 182, A replaced by C.
Protein change: p.Asp61Ala; replaces aspartic acid 61 with alanine.
Molecular consequence: missense variant.
Genome position (GRCh38, 1-based): chr12:112,450,362, A>C. VCF-style: chr12-112450362-A-C. GRCh37 (hg19) VCF-style: chr12-112888166-A-C.
Other names: c.182A>C, p.Asp61Ala (NM_001330437.2, NM_080601.3); c.179A>C, p.Asp60Ala (NM_001374625.1); short protein forms D61A, D60A.
Identifiers: ClinVar variation 179221 (VCV000179221.6), dbSNP rs121918461, ClinGen allele CA273600.
Genomic context (GRCh38, chr12:112,450,362, plus strand): 5'-CAATGGACTATTTTAGAAGAAATGGAGCTGTCACCCACATCAAGATTCAGAACACTGGTG[A>C]TTACTATGACCTGTATGGAGGGGAGAAATTTGCCACTTTGGCTGAGTTGGTCCAGTATTA-3'
Protein context (NP_002825.3, residues 51-71): VTHIKIQNTG[Asp61Ala]YYDLYGGEKF

ClinVar aggregate classification (germline): Pathogenic/Likely pathogenic. Review status: criteria provided, multiple submitters, no conflicts (2 of 4 stars). 2 submissions from 2 submitters: Pathogenic (1); Likely pathogenic (1). Last evaluated 2018-08-20.

Conditions:
RASopathy. Also called: rasopathies; Noonan spectrum disorder. Identifiers: Orphanet 536391, MedGen C5555857, MONDO:0021060.
Noonan syndrome (NS). Also called: Noonan's syndrome. Identifiers: Orphanet 648, MedGen C0028326, MeSH D009634, MONDO:0018997. Disease mechanism: gain of function.

Submissions (2):

Women's Health and Genetics/Laboratory Corporation of America, LabCorp
Classification: Pathogenic for Rasopathy. Last evaluated: 2018-08-20. Review status: criteria provided, single submitter. Criteria: LabCorp Variant Classification Summary - May 2015. Collection method: clinical testing. Allele origin: germline.
Comment: Variant summary: PTPN11 c.182A>C (p.Asp61Ala) results in a non-conservative amino acid change located in the SH2 domain of the encoded protein sequence. Five of five in-silico tools predict a damaging effect of the variant on protein function. The variant was absent in 245776 control chromosomes (gnomAD). The variant, c.182A>C, has been reported in the literature in a fetus affected with Noonan Syndrome and Related Conditions (Chen 2009). In addition, other variants affecting this position, Asp61Asn and Asp61Gly, has been reported in several affected individuals. At least one publication reports experimental evidence evaluating an impact on protein function, demonstrating an increased basal activity of protein tyrosine phosphatase (OReilly 2000). No clinical diagnostic laboratories have submitted clinical-significance assessments for this variant to ClinVar after 2014. Based on the evidence outlined above, the variant was classified as pathogenic.

Laboratory for Molecular Medicine, Mass General Brigham Personalized Medicine
Classification: Likely pathogenic for Noonan syndrome. Last evaluated: 2013-08-09. Review status: criteria provided, single submitter. Criteria: LMM Criteria. Collection method: clinical testing. Allele origin: germline. Inheritance: Autosomal dominant inheritance. Observed: 1 variant allele.
Comment: The Asp61Ala variant has not been previously identified by our laboratory, nor h as it been identified in large population studies. This variant has been reporte d in the literature in one fetus with a diagnosis of Noonan syndrome and fetal c hylothorax (Chen 2009). In addition, two other variants at this position have be en identified in >25 individuals with clinical features of Noonan syndrome by ou r laboratory and in the literature (Asp61Asn and Asp61Gly; Loh 2004, Tartaglia 2 005, Tartaglia 2006, Kratz 2005, Yamamoto 2006, Kosaki 2002, Bertola 2006, Noord am 2008, Shaw 2007, Tartaglia 2001). The Asp residue at this position is highly conserved across evolutionarily distinct species, and computational analyses (bi ochemical amino acid properties, AlignGVGD, PolyPhen2, and SIFT) suggest that th e Asp61Ala variant may have impact to the protein. In summary, this variant is l ikely pathogenic, though additional studies are required to fully establish its clinical significance.

Literature cited by the submitters: PubMed 10594032 (cited by Women's Health and Genetics/Laboratory Corporation of America, LabCorp); PubMed 19927903 (cited by Women's Health and Genetics/Laboratory Corporation of America, LabCorp and Laboratory for Molecular Medicine, Mass General Brigham Personalized Medicine); PubMed 17020470 (cited by Laboratory for Molecular Medicine, Mass General Brigham Personalized Medicine); PubMed 18562489 (cited by Laboratory for Molecular Medicine, Mass General Brigham Personalized Medicine); PubMed 15842656 (cited by Laboratory for Molecular Medicine, Mass General Brigham Personalized Medicine); PubMed 14644997 (cited by Laboratory for Molecular Medicine, Mass General Brigham Personalized Medicine); PubMed 11704759 (cited by Laboratory for Molecular Medicine, Mass General Brigham Personalized Medicine); PubMed 15928039 (cited by Laboratory for Molecular Medicine, Mass General Brigham Personalized Medicine); PubMed 16358218 (cited by Laboratory for Molecular Medicine, Mass General Brigham Personalized Medicine); PubMed 16533526 (cited by Laboratory for Molecular Medicine, Mass General Brigham Personalized Medicine); PubMed 12161469 (cited by Laboratory for Molecular Medicine, Mass General Brigham Personalized Medicine); PubMed 16990350 (cited by Laboratory for Molecular Medicine, Mass General Brigham Personalized Medicine).